The following is an entry in ClinVar:

NM_016141.4(DYNC1LI1):c.1441C>G (p.Pro481Ala)

Gene: DYNC1LI1 (dynein cytoplasmic 1 light intermediate chain 1; minus strand). Cytogenetic location: 3p22.3.
Variant type: single nucleotide variant.
Coding change: c.1441C>G on transcript NM_016141.4 (MANE Select); coding-DNA position 1441, C replaced by G.
Protein change: p.Pro481Ala; replaces proline 481 with alanine.
Molecular consequence: missense variant.
Genome position (GRCh38, 1-based): chr3:32,528,467, G>C on the plus strand (C>G on the coding strand, the complement: DYNC1LI1 is on the minus strand). VCF-style: chr3-32528467-G-C. GRCh37 (hg19) VCF-style: chr3-32569959-G-C.
Other names: c.1093C>G, p.Pro365Ala (NM_001329135.2); short protein forms P481A, P365A.
Identifiers: ClinVar variation 156716 (VCV000156716.1), dbSNP rs587777902, ClinGen allele CA248422.

ClinVar aggregate classification (germline): not provided (0 of 4 stars; one submission).

Submission:

James Howe Lab, University of Iowa Hospital and Clinics
No classification provided. Review status: no classification provided. Collection method: not provided. Allele origin: unknown.
Comment: Analysis of CDKN1B mutations in 86 patients with small bowel neuroendocrine tumors and 68 patients with pancreas neuroendocrine tumors.